The following is an entry in ClinVar:

ClinVar aggregate classification (germline): Uncertain significance (1 of 4 stars; one submission).

Conditions:
Glycogen storage disease type III (GSD3). Also called: Cori disease; FORBES DISEASE. Identifiers: Orphanet 366, MedGen C0017922, MONDO:0009291, OMIM 232400.

Allele frequency attached by ClinVar (database versions not stated): gnomAD exomes below 0.00001.
gnomAD v4.1: 5 of 1,614,012 alleles (0.00031%); highest among the groups gnomAD compares: Admixed American, 0.0017%; no homozygotes.

Submission:

Labcorp Genetics (formerly Invitae), Labcorp
Classification: Uncertain significance for Glycogen storage disease type III. Last evaluated: 2021-09-01. Review status: criteria provided, single submitter. Criteria: Invitae Variant Classification Sherloc (09022015). Collection method: clinical testing. Allele origin: germline.
Comment: This sequence change replaces lysine with arginine at codon 755 of the AGL protein (p.Lys755Arg). The lysine residue is weakly conserved and there is a small physicochemical difference between lysine and arginine. This variant is not present in population databases (ExAC no frequency). This variant has not been reported in the literature in individuals affected with AGL-related conditions. Algorithms developed to predict the effect of missense changes on protein structure and function (SIFT, PolyPhen-2, Align-GVGD) all suggest that this variant is likely to be tolerated. In summary, the available evidence is currently insufficient to determine the role of this variant in disease. Therefore, it has been classified as a Variant of Uncertain Significance.

NM_000642.3(AGL):c.2264A>G (p.Lys755Arg)

Gene: AGL (amylo-alpha-1,6-glucosidase and 4-alpha-glucanotransferase; plus strand). Cytogenetic location: 1p21.2.
Variant type: single nucleotide variant.
Coding change: c.2264A>G on transcript NM_000642.3 (MANE Select); coding-DNA position 2264, A replaced by G.
Protein change: p.Lys755Arg; replaces lysine 755 with arginine.
Molecular consequence: missense variant.
Genome position (GRCh38, 1-based): chr1:99,881,647, A>G. VCF-style: chr1-99881647-A-G. GRCh37 (hg19) VCF-style: chr1-100347203-A-G.
Other names: c.2264A>G, p.Lys755Arg (NM_000028.3, NM_000643.3, NM_000644.3 and 2 more transcripts); c.2216A>G, p.Lys739Arg (NM_000646.3); c.2063A>G, p.Lys688Arg (NM_001425327.1); c.2060A>G, p.Lys687Arg (NM_001425328.1, NM_001425329.1); c.1886A>G, p.Lys629Arg (NM_001425332.1); short protein forms K739R, K755R, K629R, K687R, K688R.
Identifiers: ClinVar variation 961479 (VCV000961479.6), dbSNP rs1419239485, ClinGen allele CA341319969.